The following is an entry in ClinVar:

ClinVar aggregate classification (germline): Pathogenic/Likely pathogenic. Review status: criteria provided, multiple submitters, no conflicts (2 of 4 stars). 7 submissions from 7 submitters: Pathogenic (3); Likely pathogenic (2). 2 of the submissions do not count toward it. Last evaluated 2026-01-08.

Conditions:
PDHA1-related disorder. Also called: PDHA1-related condition.
Pyruvate dehydrogenase E1-alpha deficiency (PDHAD). Also called: ATAXIA, INTERMITTENT, WITH PYRUVATE DEHYDROGENASE DEFICIENCY; ATAXIA WITH LACTIC ACIDOSIS I; ATAXIA, INTERMITTENT, WITH ABNORMAL PYRUVATE METABOLISM; Ataxia, intermittent, with pyruvate dehydrogenase, or decarboxylase, deficiency. Identifiers: Orphanet 79243, MedGen C1839413, MONDO:0010717, OMIM 312170.

Submissions (7):

GeneDx
Classification: Pathogenic. Last evaluated: 2026-01-08. Review status: criteria provided, single submitter. Criteria: GeneDx Variant Classification Process June 2021. Collection method: clinical testing. Allele origin: germline.
Comment: Not observed at significant frequency in large population cohorts (gnomAD); In silico analysis supports that this missense variant has a deleterious effect on protein structure/function; In silico analysis is inconclusive as to whether the variant alters gene splicing. In the absence of RNA/functional studies, the actual effect of this sequence change is unknown.; This variant is associated with the following publications: (PMID: 10679936, 28584645, 23021068)

3billion
Classification: Likely pathogenic for Pyruvate dehydrogenase E1-alpha deficiency. Last evaluated: 2023-06-30. Review status: criteria provided, single submitter. Criteria: ACMG Guidelines, 2015. Collection method: clinical testing. Allele origin: germline. Affected: yes.
Comment: The variant is not observed in the gnomAD v2.1.1 dataset. Predicted Consequence/Location: Missense variant In silico tool predictions suggest damaging effect of the variant on gene or gene product (REVEL: 0.95; 3Cnet: 0.92). Same nucleotide change resulting in same amino acid change has been previously reported as pathogenic/likely pathogenic with strong evidence (ClinVar ID: VCV000202188 /PMID: 10679936). Different missense changes at the same codon (p.Arg141Gly, p.Arg141Leu) have been reported to be associated with PDHA1 related disorder (PMID: 11757583, 35094435). Therefore, this variant is classified as Likely pathogenic according to the recommendation of ACMG/AMP guideline.

Revvity Omics, Revvity
Classification: Pathogenic for Pyruvate dehydrogenase E1-alpha deficiency. Last evaluated: 2022-12-09. Review status: criteria provided, single submitter. Criteria: ACMG Guidelines, 2015. Collection method: clinical testing. Allele origin: germline.

Labcorp Genetics (formerly Invitae), Labcorp
Classification: Pathogenic for Pyruvate dehydrogenase E1-alpha deficiency. Last evaluated: 2022-11-23. Review status: criteria provided, single submitter. Criteria: Invitae Variant Classification Sherloc (09022015). Collection method: clinical testing. Allele origin: germline.
Comment: This sequence change replaces arginine, which is basic and polar, with glutamine, which is neutral and polar, at codon 141 of the PDHA1 protein (p.Arg141Gln). This variant is not present in population databases (gnomAD no frequency). This missense change has been observed in individual(s) with pyruvate dehydrogenase lipoic acid synthetase deficiency (PMID: 10679936). ClinVar contains an entry for this variant (Variation ID: 202188). Advanced modeling of protein sequence and biophysical properties (such as structural, functional, and spatial information, amino acid conservation, physicochemical variation, residue mobility, and thermodynamic stability) performed at Invitae indicates that this missense variant is expected to disrupt PDHA1 protein function. Algorithms developed to predict the effect of sequence changes on RNA splicing suggest that this variant may disrupt the consensus splice site. This variant disrupts the p.Arg141 amino acid residue in PDHA1. Other variant(s) that disrupt this residue have been determined to be pathogenic (PMID: 11757583). This suggests that this residue is clinically significant, and that variants that disrupt this residue are likely to be disease-causing. For these reasons, this variant has been classified as Pathogenic.

Blueprint Genetics
Classification: Likely pathogenic for PDHA1-related disorders. Last evaluated: 2021-05-17. Review status: criteria provided, single submitter. Criteria: ACMG Guidelines, 2015. Collection method: clinical testing. Allele origin: germline. Affected: yes. Observed: 1 variant allele.

PDHA1 Study Group, University Children’s Hospital, Paracelsus Medical University
Classification: Likely pathogenic for Pyruvate dehydrogenase E1-alpha deficiency. Last evaluated: 2024-10-15. Review status: no assertion criteria provided. Collection method: research. Allele origin: germline. Affected: yes. Observed: 4 variant alleles. Not counted in ClinVar's aggregate classification.
Comment: The NM_000284.3:c.422G>A (p.Arg141Gln) substitution is a missense variant in PDHA1 gene.In total, 4 individuals were diagnosed with PDHA1-related Pyruvate dehydrogenase complex (PDHc) deficiency (MIM #312170). These include 2 males and 2 females. The variant has been reported in 2 published cases (PMIDs: 10679936, 23021068). Additional 2 unpublished cases from internal data are included. Last literature search: July 12, 2024. This variant is absent or extremely rare in population-based cohorts in the Genome Aggregation Database (gnomAD). Individuals harboring this variant presented with clinical features compatible with PDHA1-related PDHc deficiency. In summary, this variant meets criteria to be classified as likely pathogenic (LP) for PDHA1-related PDHc deficiency based on the ACMG/AMP criteria applied: PM1, PM2, PM7, PP3 (last assessment October 15, 2024).

Mendelics
Classification: Pathogenic for Pyruvate dehydrogenase E1-alpha deficiency. Last evaluated: 2013-09-23. Review status: no assertion criteria provided. Collection method: clinical testing. Allele origin: unknown. Affected: yes. Not counted in ClinVar's aggregate classification.

Literature cited by the submitters: PubMed 10679936 (cited by 4 submitters); PubMed 11757583 (cited by 3billion and Labcorp Genetics (formerly Invitae), Labcorp); PubMed 23021068 (cited by PDHA1 Study Group, University Children’s Hospital, Paracelsus Medical University); DOI 10.1093/brain/awaf430 (cited by PDHA1 Study Group, University Children’s Hospital, Paracelsus Medical University); PubMed 11241048 (cited by Mendelics).

NM_000284.4(PDHA1):c.422G>A (p.Arg141Gln)

Gene: PDHA1 (pyruvate dehydrogenase E1 subunit alpha 1; plus strand). Cytogenetic location: Xp22.12.
Variant type: single nucleotide variant.
Coding change: c.422G>A on transcript NM_000284.4 (MANE Select); coding-DNA position 422, G replaced by A.
Protein change: p.Arg141Gln; replaces arginine 141 with glutamine.
Molecular consequence: missense variant.
Genome position (GRCh38, 1-based): chrX:19,353,085, G>A. VCF-style: chrX-19353085-G-A. GRCh37 (hg19) VCF-style: chrX-19371203-G-A.
Other names: c.422G>A (NM_000284.3); c.536G>A, p.Arg179Gln (NM_001173454.2); c.443G>A, p.Arg148Gln (NM_001173455.2); c.422G>A, p.Arg141Gln (NM_001173456.2); short protein forms R141Q, R148Q, R179Q.
Identifiers: ClinVar variation 202188 (VCV000202188.12), dbSNP rs794729213, ClinGen allele CA203852.